The following is an entry in ClinVar:

NM_003279.3(TNNC2):c.365C>T (p.Ala122Val)

Gene: TNNC2 (troponin C2, fast skeletal type; minus strand). Cytogenetic location: 20q13.12.
Variant type: single nucleotide variant.
Coding change: c.365C>T on transcript NM_003279.3 (MANE Select); coding-DNA position 365, C replaced by T.
Protein change: p.Ala122Val; replaces alanine 122 with valine.
Molecular consequence: missense variant.
Genome position (GRCh38, 1-based): chr20:45,824,077, G>A on the plus strand (C>T on the coding strand, the complement: TNNC2 is on the minus strand). VCF-style: chr20-45824077-G-A. GRCh37 (hg19) VCF-style: chr20-44452716-G-A.
Other names: short protein forms A122V.
Identifiers: ClinVar variation 4987234 (VCV004987234.1).
Genomic context (GRCh38, chr20:45,824,077, plus strand): 5'-TTCTTGTCGCCGTCTTTCATCAGAGATTCGATCTCCTCGTCCGTCACGTGCTCCCCGGAG[G>A]CCCTGAAAATCTCAGCCAGCTCCTCCGGGTCGATGTAGCCGTCTGCATTCCTTCAGGTCC-3'
Protein context (NP_003270.1, residues 112-132): DPEELAEIFR[Ala122Val]SGEHVTDEEI

ClinVar aggregate classification (germline): Uncertain significance (1 of 4 stars; one submission).

Conditions:
TNNC2-related condition.

gnomAD v4.1: 3 of 1,614,060 alleles (0.00019%); highest among the groups gnomAD compares: Non-Finnish European, 0.00025%; no homozygotes.

Submission:

PreventionGenetics, part of Exact Sciences
Classification: Uncertain significance for TNNC2-related condition. Last evaluated: 2026-02-09. Review status: criteria provided, single submitter. Criteria: ACMG Guidelines, 2015. Collection method: clinical testing. Allele origin: germline.
Comment: The TNNC2 c.365C>T variant is predicted to result in the amino acid substitution p.Ala122Val. To our knowledge, this variant has not been reported in the literature or in a large population database (gnomAD), indicating this variant is rare. At this time, the clinical significance of this variant is uncertain due to the absence of conclusive functional and genetic evidence.